The following is an entry in ClinVar:

NM_006073.4(TRDN):c.376G>A (p.Glu126Lys)

Gene: TRDN (triadin; minus strand). Cytogenetic location: 6q22.31.
Variant type: single nucleotide variant.
Coding change: c.376G>A on transcript NM_006073.4 (MANE Select); coding-DNA position 376, G replaced by A.
Protein change: p.Glu126Lys; replaces glutamic acid 126 with lysine.
Molecular consequence: missense variant.
Genome position (GRCh38, 1-based): chr6:123,548,469, C>T on the plus strand (G>A on the coding strand, the complement: TRDN is on the minus strand). VCF-style: chr6-123548469-C-T. GRCh37 (hg19) VCF-style: chr6-123869614-C-T.
Other names: c.376G>A, p.Glu126Lys (NM_001251987.2, NM_001256020.2, NM_001256021.2 and 1 more transcripts); c.376G>A (NM_006073.2); short protein forms E126K.
Identifiers: ClinVar variation 1054866 (VCV001054866.9), dbSNP rs539743603, ClinGen allele CA147297263.

ClinVar aggregate classification (germline): Uncertain significance. Review status: criteria provided, multiple submitters, no conflicts (2 of 4 stars). 3 submissions from 3 submitters: Uncertain significance (3). Last evaluated 2025-04-20.

Conditions:
Cardiovascular phenotype. Identifiers: MedGen CN230736.
Catecholaminergic polymorphic ventricular tachycardia 1. Also called: VENTRICULAR TACHYCARDIA, STRESS-INDUCED POLYMORPHIC 1; VENTRICULAR TACHYCARDIA, CATECHOLAMINERGIC POLYMORPHIC, 1, WITH OR WITHOUT ATRIAL DYSFUNCTION AND/OR DILATED CARDIOMYOPATHY; RYR2-Related Catecholaminergic Polymorphic Ventricular Tachycardia. Identifiers: Orphanet 3286, MedGen C1631597, MONDO:0011484, OMIM 604772.
Catecholaminergic polymorphic ventricular tachycardia 5 (CARDAR). Also called: Ventricular tachycardia, catecholaminergic polymorphic, 5, with or without muscle weakness; CARDIAC ARRHYTHMIA SYNDROME, WITH OR WITHOUT SKELETAL MUSCLE WEAKNESS. Identifiers: Orphanet 3286, MedGen C3809536, MONDO:0014191, OMIM 615441.

Allele frequency attached by ClinVar (database versions not stated): gnomAD exomes 0.00001 and 0.00005; gnomAD 0.00004 and 0.00005; 1000 Genomes Project 30x 0.00016; 1000 Genomes Project 0.00020.
gnomAD v4.1: 74 of 1,566,930 alleles (0.0047%); highest among the groups gnomAD compares: East Asian, 0.014%; no homozygotes.

Submissions (3):

Ambry Genetics
Classification: Uncertain significance for Cardiovascular phenotype. Last evaluated: 2025-04-20. Review status: criteria provided, single submitter. Criteria: Ambry Variant Classification Scheme 2023. Collection method: clinical testing. Allele origin: germline.
Comment: The p.E126K variant (also known as c.376G>A), located in coding exon 3 of the TRDN gene, results from a G to A substitution at nucleotide position 376. The glutamic acid at codon 126 is replaced by lysine, an amino acid with similar properties. This amino acid position is conserved. In addition, this alteration is predicted to be tolerated by in silico analysis. Since supporting evidence is limited at this time, the clinical significance of this alteration remains unclear.

Labcorp Genetics (formerly Invitae), Labcorp
Classification: Uncertain significance for Catecholaminergic polymorphic ventricular tachycardia 1. Last evaluated: 2021-11-19. Review status: criteria provided, single submitter. Criteria: Invitae Variant Classification Sherloc (09022015). Collection method: clinical testing. Allele origin: germline.
Comment: This sequence change replaces glutamic acid, which is acidic and polar, with lysine, which is basic and polar, at codon 126 of the TRDN protein (p.Glu126Lys). The frequency data for this variant in the population databases is considered unreliable, as metrics indicate poor data quality at this position in the gnomAD database. This variant has not been reported in the literature in individuals affected with TRDN-related conditions. ClinVar contains an entry for this variant (Variation ID: 1054866). Algorithms developed to predict the effect of missense changes on protein structure and function output the following: SIFT: "Tolerated"; PolyPhen-2: "Not Available"; Align-GVGD: "Class C0". The lysine amino acid residue is found in multiple mammalian species, which suggests that this missense change does not adversely affect protein function. In summary, the available evidence is currently insufficient to determine the role of this variant in disease. Therefore, it has been classified as a Variant of Uncertain Significance.

Fulgent Genetics
Classification: Uncertain significance for Catecholaminergic polymorphic ventricular tachycardia 1; Catecholaminergic polymorphic ventricular tachycardia 5. Last evaluated: 2021-11-12. Review status: criteria provided, single submitter. Criteria: ACMG Guidelines, 2015. Collection method: clinical testing. Allele origin: unknown.